The following is an entry in ClinVar:

ClinVar aggregate classification (germline): Likely benign. Review status: criteria provided, multiple submitters, no conflicts (2 of 4 stars). 2 submissions from 2 submitters: Likely benign (2). Last evaluated 2024-10-08.

Allele frequency attached by ClinVar (database versions not stated): TOPMed 0.00001; ExAC 0.00002.
gnomAD v4.1: 13 of 1,595,668 alleles (0.00081%); highest among the groups gnomAD compares: East Asian, 0.0022%; no homozygotes.

Submissions (2):

Blueprint Genetics
Classification: Likely benign. Last evaluated: 2024-10-08. Review status: criteria provided, single submitter. Criteria: ACMG Guidelines, 2015. Collection method: clinical testing. Allele origin: germline.

CeGaT Center for Human Genetics Tuebingen
Classification: Likely benign. Last evaluated: 2023-02-01. Review status: criteria provided, single submitter. Criteria: CeGaT Center For Human Genetics Tuebingen Variant Classification Criteria Version 2. Collection method: clinical testing. Allele origin: germline. Affected: yes. Observed: 1 variant allele.
Comment: AFF3: BP4

NM_001386135.1(AFF3):c.1371+7G>A

Gene: AFF3 (ALF transcription elongation factor 3; minus strand). Cytogenetic location: 2q11.2.
Variant type: single nucleotide variant.
Coding change: c.1371+7G>A on transcript NM_001386135.1 (MANE Select); 7 bases into the intron after coding-DNA position 1371, G replaced by A.
Molecular consequence: intron variant.
Genome position (GRCh38, 1-based): chr2:99,601,428, C>T on the plus strand (G>A on the coding strand, the complement: AFF3 is on the minus strand). VCF-style: chr2-99601428-C-T. GRCh37 (hg19) VCF-style: chr2-100217890-C-T.
Other names: c.1371+7G>A (NM_002285.3); c.1446+7G>A (NM_001025108.2).
Identifiers: ClinVar variation 2651192 (VCV002651192.25), dbSNP rs754218099, ClinGen allele CA1801155.